The following is an entry in ClinVar:

ClinVar aggregate classification (germline): Uncertain significance. Review status: criteria provided, multiple submitters, no conflicts (2 of 4 stars). 3 submissions from 3 submitters: Uncertain significance (3). Last evaluated 2026-03-23.

Conditions:
Inborn genetic diseases. Identifiers: MedGen C0950123, MeSH D030342.

Allele frequency attached by ClinVar (database versions not stated): gnomAD 0.00003; TOPMed 0.00004; ExAC 0.00004.
gnomAD v4.1: 11 of 1,371,212 alleles (0.0008%); highest among the groups gnomAD compares: Admixed American, 0.013%; no homozygotes.

Submissions (3):

GeneDx
Classification: Uncertain significance. Last evaluated: 2026-03-23. Review status: criteria provided, single submitter. Criteria: GeneDx Variant Classification Process June 2021. Collection method: clinical testing. Allele origin: germline.
Comment: In silico analysis suggests that this missense variant does not alter protein structure/function; Has not been previously published as pathogenic or benign to our knowledge

Ambry Genetics
Classification: Uncertain significance for Inborn genetic diseases. Last evaluated: 2025-11-21. Review status: criteria provided, single submitter. Criteria: Ambry Variant Classification Scheme 2023. Collection method: clinical testing. Allele origin: germline.

Labcorp Genetics (formerly Invitae), Labcorp
Classification: Uncertain significance. Last evaluated: 2022-08-21. Review status: criteria provided, single submitter. Criteria: Invitae Variant Classification Sherloc (09022015). Collection method: clinical testing. Allele origin: germline.
Comment: In summary, the available evidence is currently insufficient to determine the role of this variant in disease. Therefore, it has been classified as a Variant of Uncertain Significance. Algorithms developed to predict the effect of missense changes on protein structure and function output the following: SIFT: "Tolerated"; PolyPhen-2: "Possibly Damaging"; Align-GVGD: "Class C0". The arginine amino acid residue is found in multiple mammalian species, which suggests that this missense change does not adversely affect protein function. This variant has not been reported in the literature in individuals affected with APC2-related conditions. This variant is present in population databases (rs771870298, gnomAD 0.05%). This sequence change replaces glycine, which is neutral and non-polar, with arginine, which is basic and polar, at codon 1306 of the APC2 protein (p.Gly1306Arg).

NM_005883.3(APC2):c.3916G>A (p.Gly1306Arg)

Gene: APC2 (APC regulator of Wnt signaling pathway 2; plus strand). Cytogenetic location: 19p13.3.
Variant type: single nucleotide variant.
Coding change: c.3916G>A on transcript NM_005883.3 (MANE Select); coding-DNA position 3916, G replaced by A.
Protein change: p.Gly1306Arg; replaces glycine 1306 with arginine.
Molecular consequence: missense variant.
Genome position (GRCh38, 1-based): chr19:1,467,217, G>A. VCF-style: chr19-1467217-G-A. GRCh37 (hg19) VCF-style: chr19-1467216-G-A.
Other names: c.3913G>A, p.Gly1305Arg (NM_001351273.1); c.3916G>A (NM_005883.2); short protein forms G1306R, G1305R.
Identifiers: ClinVar variation 2184151 (VCV002184151.6), dbSNP rs771870298, ClinGen allele CA9045770.